The following is an entry in ClinVar:

ClinVar aggregate classification (germline): Uncertain significance. Review status: criteria provided, multiple submitters, no conflicts (2 of 4 stars). 2 submissions from 2 submitters: Uncertain significance (2). Last evaluated 2025-12-08.

Submissions (2):

Labcorp Genetics (formerly Invitae), Labcorp
Classification: Uncertain significance. Last evaluated: 2025-12-08. Review status: criteria provided, single submitter. Criteria: Invitae Variant Classification Sherloc (09022015). Collection method: clinical testing. Allele origin: germline.
Comment: This variant, c.571_573del, results in the deletion of 1 amino acid(s) of the PLOD3 protein (p.Asp191del), but otherwise preserves the integrity of the reading frame. This variant is not present in population databases (gnomAD no frequency). This variant has not been reported in the literature in individuals affected with PLOD3-related conditions. Experimental studies and prediction algorithms are not available or were not evaluated, and the functional significance of this variant is currently unknown. In summary, the available evidence is currently insufficient to determine the role of this variant in disease. Therefore, it has been classified as a Variant of Uncertain Significance.

GeneDx
Classification: Uncertain significance. Last evaluated: 2025-07-24. Review status: criteria provided, single submitter. Criteria: GeneDx Variant Classification Process June 2021. Collection method: clinical testing. Allele origin: germline. Affected: yes.
Comment: Not observed at significant frequency in large population cohorts (gnomAD); In-frame deletion of 1 amino acid(s) in a non-repeat region; In silico analysis supports a deleterious effect on protein structure/function; Has not been previously published as pathogenic or benign to our knowledge

NM_001084.5(PLOD3):c.565GAC[2] (p.Asp191del)

Gene: PLOD3 (procollagen-lysine,2-oxoglutarate 5-dioxygenase 3; minus strand). Cytogenetic location: 7q22.1.
Variant type: Microsatellite.
Coding change: c.565GAC[2] on transcript NM_001084.5 (MANE Select); two copies in a row of the 3-base unit GAC starting at c.565; the reference has three copies in a row; one copy, 3 bases deleted; also written c.571_573del.
Protein change: p.Asp191del; deletes aspartic acid 191.
Molecular consequence: inframe deletion.
Genome position (GRCh38, 1-based): chr7:101,215,950-101,215,952, GTC deleted on the plus strand (GAC on the coding strand, the reverse complement: PLOD3 is on the minus strand); deleting any 3 consecutive bases within chr7:101,215,950-101,215,958 gives the same sequence; the position shown is the placement nearest the transcript's 3' end. VCF-style (leftmost placement, unchanged base first): chr7-101215949-GGTC-G. GRCh37 (hg19) VCF-style: chr7-100859230-GGTC-G.
Other names: c.571_573del (NM_001084.4); short protein forms D191del.
Identifiers: ClinVar variation 1949367 (VCV001949367.6), dbSNP rs1346748887, ClinGen allele CA830569258.